The following is an entry in ClinVar:

NM_000193.4(SHH):c.170G>A (p.Gly57Asp)

Gene: SHH (sonic hedgehog signaling molecule; minus strand). Cytogenetic location: 7q36.3.
Variant type: single nucleotide variant.
Coding change: c.170G>A on transcript NM_000193.4 (MANE Select); coding-DNA position 170, G replaced by A.
Protein change: p.Gly57Asp; replaces glycine 57 with aspartic acid.
Molecular consequence: missense variant.
Genome position (GRCh38, 1-based): chr7:155,811,953, C>T on the plus strand (G>A on the coding strand, the complement: SHH is on the minus strand). VCF-style: chr7-155811953-C-T. GRCh37 (hg19) VCF-style: chr7-155604647-C-T.
Other names: short protein forms G57D.
Identifiers: ClinVar variation 3361050 (VCV003361050.2).

ClinVar aggregate classification (germline): Uncertain significance (1 of 4 stars; one submission).

Submission:

GeneDx
Classification: Uncertain significance. Last evaluated: 2026-09-09. Review status: criteria provided, single submitter. Criteria: GeneDx Variant Classification Process June 2021. Collection method: clinical testing. Allele origin: germline.
Comment: Not observed at significant frequency in large population cohorts (gnomAD); In silico analysis supports that this missense variant has a deleterious effect on protein structure/function; Has not been previously published as pathogenic or benign to our knowledge